The following is an entry in ClinVar:

ClinVar aggregate classification (germline): Uncertain significance (1 of 4 stars; one submission).

gnomAD v4.1: 22 of 1,614,092 alleles (0.0014%); highest among the groups gnomAD compares: Middle Eastern, 0.017%; no homozygotes.

Submission:

Labcorp Genetics (formerly Invitae), Labcorp
Classification: Uncertain significance. Last evaluated: 2025-05-19. Review status: criteria provided, single submitter. Criteria: Invitae Variant Classification Sherloc (09022015). Collection method: clinical testing. Allele origin: germline.
Comment: This sequence change replaces alanine, which is neutral and non-polar, with valine, which is neutral and non-polar, at codon 134 of the LIPG protein (p.Ala134Val). This variant is present in population databases (rs779776450, gnomAD 0.004%). This variant has not been reported in the literature in individuals affected with LIPG-related conditions. An algorithm developed to predict the effect of missense changes on protein structure and function (PolyPhen-2) suggests that this variant is likely to be disruptive. In summary, the available evidence is currently insufficient to determine the role of this variant in disease. Therefore, it has been classified as a Variant of Uncertain Significance.

NM_006033.4(LIPG):c.401C>T (p.Ala134Val)

Gene: LIPG (lipase G, endothelial type; plus strand). Cytogenetic location: 18q21.1.
Variant type: single nucleotide variant.
Coding change: c.401C>T on transcript NM_006033.4 (MANE Select); coding-DNA position 401, C replaced by T.
Protein change: p.Ala134Val; replaces alanine 134 with valine.
Molecular consequence: missense variant.
Genome position (GRCh38, 1-based): chr18:49,567,563, C>T. VCF-style: chr18-49567563-C-T. GRCh37 (hg19) VCF-style: chr18-47093933-C-T.
Other names: c.401C>T, p.Ala134Val (NM_001308006.2); short protein forms A134V.
Identifiers: ClinVar variation 4754080 (VCV004754080.1).
Genomic context (GRCh38, chr18:49,567,563, plus strand): 5'-AAGACGCCAATGTAGTTGTGGTTGACTGGCTCCCCCTGGCCCACCAGCTTTACACGGATG[C>T]GGTCAATAATACCAGGGTGGTGGGACACAGCATTGCCAGGATGCTCGACTGGCTGCAGGT-3'
Protein context (NP_006024.1, residues 124-144): LPLAHQLYTD[Ala134Val]VNNTRVVGHS